The following is an entry in ClinVar:

ClinVar aggregate classification (germline): Pathogenic. Review status: criteria provided, single submitter (1 of 4 stars). 3 submissions from 3 submitters: Pathogenic (1). 2 of the submissions do not count toward it. Last evaluated 2023-12-25.

Conditions:
Cole-Carpenter syndrome 1 (CLCRP1). Also called: BONE FRAGILITY WITH CRANIOSYNOSTOSIS, OCULAR PROPTOSIS, HYDROCEPHALUS, AND DISTINCTIVE FACIAL FEATURES. Identifiers: Orphanet 2050, MedGen C4317154, MONDO:0007204, OMIM 112240.

Submissions (3):

Labcorp Genetics (formerly Invitae), Labcorp
Classification: Pathogenic. Last evaluated: 2023-12-25. Review status: criteria provided, single submitter. Criteria: Invitae Variant Classification Sherloc (09022015). Collection method: clinical testing. Allele origin: germline.
Comment: This sequence change replaces tyrosine, which is neutral and polar, with cysteine, which is neutral and slightly polar, at codon 393 of the P4HB protein (p.Tyr393Cys). This variant is not present in population databases (gnomAD no frequency). This missense change has been observed in individuals with Cole-Carpenter syndrome (PMID: 25683117, 29263160, 30063094). ClinVar contains an entry for this variant (Variation ID: 189337). An algorithm developed to predict the effect of missense changes on protein structure and function (PolyPhen-2) suggests that this variant is likely to be disruptive. Experimental studies have shown that this missense change affects P4HB function (PMID: 25683117). For these reasons, this variant has been classified as Pathogenic.

OMIM
Classification: Pathogenic for COLE-CARPENTER SYNDROME 1. Last evaluated: 2015-03-05. Review status: no assertion criteria provided. Collection method: literature only. Allele origin: germline. Not counted in ClinVar's aggregate classification.

Hong-Tao Li Lab, Institute of Brain Science and Brain-inspired Research, Shandong First Medical University & Shandong Academy of Medical Sciences China
Classification: Uncertain significance for Cole-Carpenter syndrome 1. Review status: no assertion criteria provided. Collection method: research. Allele origin: germline. Inheritance: Autosomal dominant inheritance. Affected: yes. Observed: 1 variant allele, 1 heterozygote. Not counted in ClinVar's aggregate classification.
Comment: Observed in affected individuals from a Pakistani neurodevelopmental-disorder research cohort of 263 individuals. Classification assigned using the ACMG/AMP framework.

Literature cited by the submitters: PubMed 25683117 (cited by Labcorp Genetics (formerly Invitae), Labcorp and OMIM); PubMed 29263160 (cited by Labcorp Genetics (formerly Invitae), Labcorp); PubMed 30063094 (cited by Labcorp Genetics (formerly Invitae), Labcorp).

NM_000918.4(P4HB):c.1178A>G (p.Tyr393Cys)

Gene: P4HB (prolyl 4-hydroxylase subunit beta; minus strand). Cytogenetic location: 17q25.3.
Variant type: single nucleotide variant.
Coding change: c.1178A>G on transcript NM_000918.4 (MANE Select); coding-DNA position 1178, A replaced by G.
Protein change: p.Tyr393Cys; replaces tyrosine 393 with cysteine.
Molecular consequence: missense variant.
Genome position (GRCh38, 1-based): chr17:81,845,742, T>C on the plus strand (A>G on the coding strand, the complement: P4HB is on the minus strand). VCF-style: chr17-81845742-T-C. GRCh37 (hg19) VCF-style: chr17-79803618-T-C.
Other names: P4HB, TYR393CYS; short protein forms Y393C.
Identifiers: ClinVar variation 189337 (VCV000189337.6), dbSNP rs786204843, ClinGen allele CA199232.